The following is an entry in ClinVar:

NM_001330260.2(SCN8A):c.5531G>C (p.Cys1844Ser)

Gene: SCN8A (sodium voltage-gated channel alpha subunit 8; plus strand). Cytogenetic location: 12q13.13.
Variant type: single nucleotide variant.
Coding change: c.5531G>C on transcript NM_001330260.2 (MANE Select); coding-DNA position 5531, G replaced by C.
Protein change: p.Cys1844Ser; replaces cysteine 1844 with serine.
Molecular consequence: missense variant.
Genome position (GRCh38, 1-based): chr12:51,807,017, G>C. VCF-style: chr12-51807017-G-C. GRCh37 (hg19) VCF-style: chr12-52200801-G-C.
Other names: c.5408G>C, p.Cys1803Ser (NM_001177984.3, NM_001369788.1); c.5531G>C, p.Cys1844Ser (NM_014191.4); short protein forms C1803S, C1844S.
Identifiers: ClinVar variation 1707933 (VCV001707933.2), dbSNP rs2540335406, ClinGen allele CA384887245.

ClinVar aggregate classification (germline): Uncertain significance (1 of 4 stars; one submission).

Submission:

GeneDx
Classification: Uncertain significance. Last evaluated: 2022-04-01. Review status: criteria provided, single submitter. Criteria: GeneDx Variant Classification Process June 2021. Collection method: clinical testing. Allele origin: germline. Affected: yes.
Comment: Not observed at significant frequency in large population cohorts (gnomAD); Missense variants in this gene are often considered pathogenic (HGMD); In silico analysis supports that this missense variant has a deleterious effect on protein structure/function; Has not been previously published as pathogenic or benign to our knowledge; This substitution is predicted to be within the C-terminal cytoplasmic domain.